The following is an entry in ClinVar:

NM_006258.4(PRKG1):c.1588A>T (p.Thr530Ser)

Gene: PRKG1 (protein kinase cGMP-dependent 1; plus strand). Cytogenetic location: 10q21.1.
Variant type: single nucleotide variant.
Coding change: c.1588A>T on transcript NM_006258.4 (MANE Select); coding-DNA position 1588, A replaced by T.
Protein change: p.Thr530Ser; replaces threonine 530 with serine.
Molecular consequence: missense variant.
Genome position (GRCh38, 1-based): chr10:52,282,195, A>T. VCF-style: chr10-52282195-A-T. GRCh37 (hg19) VCF-style: chr10-54041955-A-T.
Other names: c.1543A>T, p.Thr515Ser (NM_001098512.3); c.379A>T, p.Thr127Ser (NM_001374781.1); short protein forms T515S, T127S, T530S.
Identifiers: ClinVar variation 2002485 (VCV002002485.4), dbSNP rs2492866010, ClinGen allele CA376535723.
Genomic context (GRCh38, chr10:52,282,195, plus strand): 5'-TTTTTCTCTCTTTGTAAGGTTGATTTTGGCTTTGCAAAGAAAATAGGATTTGGAAAGAAA[A>T]CATGGACTTTTTGTGGGACTCCAGAGTATGTAGCCCCAGAGATCATCCTGAACAAAGGCC-3'
Protein context (NP_006249.1, residues 520-540): FAKKIGFGKK[Thr530Ser]WTFCGTPEYV

ClinVar aggregate classification (germline): Uncertain significance (1 of 4 stars; one submission).

Conditions:
Aortic aneurysm, familial thoracic 8 (AAT8). Identifiers: MedGen C3809513, MONDO:0014187, OMIM 615436.

Submission:

Labcorp Genetics (formerly Invitae), Labcorp
Classification: Uncertain significance for Aortic aneurysm, familial thoracic 8. Last evaluated: 2022-06-05. Review status: criteria provided, single submitter. Criteria: Invitae Variant Classification Sherloc (09022015). Collection method: clinical testing. Allele origin: germline.
Comment: In summary, the available evidence is currently insufficient to determine the role of this variant in disease. Therefore, it has been classified as a Variant of Uncertain Significance. Algorithms developed to predict the effect of missense changes on protein structure and function (SIFT, PolyPhen-2, Align-GVGD) all suggest that this variant is likely to be disruptive. This variant has not been reported in the literature in individuals affected with PRKG1-related conditions. This variant is not present in population databases (gnomAD no frequency). This sequence change replaces threonine, which is neutral and polar, with serine, which is neutral and polar, at codon 530 of the PRKG1 protein (p.Thr530Ser).